The following is an entry in ClinVar:

NM_000368.5(TSC1):c.2532G>A (p.Gln844=)

Gene: TSC1 (TSC complex subunit 1; minus strand). Cytogenetic location: 9q34.13.
Variant type: single nucleotide variant.
Coding change: c.2532G>A on transcript NM_000368.5 (MANE Select); coding-DNA position 2532, G replaced by A.
Protein change: p.Gln844=; no amino-acid change (glutamine 844 retained).
Molecular consequence: synonymous variant.
Genome position (GRCh38, 1-based): chr9:132,900,808, C>T on the plus strand (G>A on the coding strand, the complement: TSC1 is on the minus strand). VCF-style: chr9-132900808-C-T. GRCh37 (hg19) VCF-style: chr9-135776195-C-T.
Other names: c.2529G>A, p.Gln843= (NM_001162426.2); c.2379G>A, p.Gln793= (NM_001162427.2); c.2169G>A, p.Gln723= (NM_001362177.2).
Identifiers: ClinVar variation 1089091 (VCV001089091.10), dbSNP rs2131688269, ClinGen allele CA467594481.

ClinVar aggregate classification (germline): Benign/Likely benign. Review status: criteria provided, multiple submitters, no conflicts (2 of 4 stars). 2 submissions from 2 submitters: Benign (1); Likely benign (1). Last evaluated 2025-10-08.

Conditions:
Tuberous sclerosis 1 (TSC1). Identifiers: Orphanet 805, MedGen C1854465, MONDO:0008612, OMIM 191100.

Submissions (2):

Labcorp Genetics (formerly Invitae), Labcorp
Classification: Likely benign for Tuberous sclerosis 1. Last evaluated: 2025-10-08. Review status: criteria provided, single submitter. Criteria: Invitae Variant Classification Sherloc (09022015). Collection method: clinical testing. Allele origin: germline.

Myriad Genetics, Inc.
Classification: Benign for Tuberous sclerosis 1. Last evaluated: 2025-04-25. Review status: criteria provided, single submitter. Criteria: Myriad Autosomal Dominant, Autosomal Recessive and X-Linked Classification Criteria (2023). Collection method: clinical testing. Allele origin: unknown.
Comment: This variant is considered benign. This variant is a silent/synonymous amino acid change and it is not expected to impact splicing.